The following is an entry in ClinVar:

ClinVar aggregate classification (germline): Pathogenic (1 of 4 stars; one submission).

Submission:

Quest Diagnostics Nichols Institute San Juan Capistrano
Classification: Pathogenic. Last evaluated: 2025-06-11. Review status: criteria provided, single submitter. Criteria: ACMG/ClinGen CNV Guidelines, 2019. Collection method: clinical testing. Allele origin: unknown.
Comment: This deletion involves at least 36 protein-coding genes. Terminal deletions of 20p13 have been reported in individuals with variable phenotypic features (An 2013, Fang 2019, Firth 2009, Jezela-Stanek 2013, Liu 2024, McGill 2010, Moutton 2012, van der Sanden 2023, Yener 2021). Genes SOX12 and NRSN2 have been proposed as candidate genes (An 2013). Of note, a 20q13 deletion involving CSNK2A1 was reported in an affected fetus (Yener 2021). There are no similar copy number losses of this region in the general populations of the Database of Genomic Variants, this copy number variant (CNV) is classified as pathogenic with variable expressivity. References: An et al., Am J Med Genet B Neuropsychiatr Genet. 2013 Dec;162B(8):832-40. PMID: 24019301 Fang et al., Mol Genet Genomic Med. 2019 Jul;7(7):e00739. PMID: 31087544 Firth et al., Am J Hum Genet. 2009 Apr;84(4):524-33. PMID: 19344873 Jezela-Stanek et al., Am J Med Genet A. 2013 Jan;161A(1):172-8. PMID: 23165892 Liu et al., Clin Case Rep. 2024 Jun 10;12(6):e8927. PMID: 38863865 McGill et al., Am J Med Genet A. 2010 Apr;152A(4):1000-7. PMID: 20358616 Moutton et al., Eur J Med Genet. 2012 Feb;55(2):151-5. PMID: 22274139 van der Sanden et al., Eur J Hum Genet. 2023 Jan;31(1):81-88. PMID: 36114283 Yener et al., Taiwan J Obstet Gynecol. 2021 Mar;60(2):350-354. PMID: 33678341

GRCh37/hg19 20p13(chr20:61568-2269777)x1

Genes: FKBP1A (FKBP prolyl isomerase 1A; minus strand), SIRPD (signal regulatory protein delta; minus strand), SIRPG (signal regulatory protein gamma; minus strand), NRSN2 (neurensin 2; plus strand), NSFL1C (NSFL1 cofactor; minus strand) and 31 more. Cytogenetic location: 20p13.
Variant type: copy number loss.
Change: copy number 1 (one copy instead of two) of chr20:61,568-2,269,777 (2.21 Mb, GRCh37 coordinates, 1-based), cytogenetic band 20p13.
Identifiers: ClinVar variation 816099 (VCV000816099.2).